The following is an entry in ClinVar:

ClinVar aggregate classification (germline): Uncertain significance (1 of 4 stars; one submission).

Submission:

Labcorp Genetics (formerly Invitae), Labcorp
Classification: Uncertain significance. Last evaluated: 2026-01-26. Review status: criteria provided, single submitter. Criteria: Invitae Variant Classification Sherloc (09022015). Collection method: clinical testing. Allele origin: germline.
Comment: This sequence change replaces tyrosine, which is neutral and polar, with histidine, which is basic and polar, at codon 646 of the KCNQ5 protein (p.Tyr646His). This variant is not present in population databases (gnomAD no frequency). This variant has not been reported in the literature in individuals affected with KCNQ5-related conditions. ClinVar contains an entry for this variant (Variation ID: 2116561). Invitae Evidence Modeling of protein sequence and biophysical properties (such as structural, functional, and spatial information, amino acid conservation, physicochemical variation, residue mobility, and thermodynamic stability) indicates that this missense variant is expected to disrupt KCNQ5 protein function with a positive predictive value of 95%. In summary, the available evidence is currently insufficient to determine the role of this variant in disease. Therefore, it has been classified as a Variant of Uncertain Significance.

NM_019842.4(KCNQ5):c.1879T>C (p.Tyr627His)

Gene: KCNQ5 (potassium voltage-gated channel subfamily Q member 5; plus strand). Cytogenetic location: 6q13.
Variant type: single nucleotide variant.
Coding change: c.1879T>C on transcript NM_019842.4 (MANE Select); coding-DNA position 1879, T replaced by C.
Protein change: p.Tyr627His; replaces tyrosine 627 with histidine.
Molecular consequence: missense variant.
Genome position (GRCh38, 1-based): chr6:73,194,494, T>C. VCF-style: chr6-73194494-T-C. GRCh37 (hg19) VCF-style: chr6-73904217-T-C.
Other names: c.1852T>C, p.Tyr618His (NM_001160130.2); c.1909T>C, p.Tyr637His (NM_001160132.2); c.1936T>C, p.Tyr646His (NM_001160133.2); c.1549T>C, p.Tyr517His (NM_001160134.2); short protein forms Y517H, Y618H, Y646H, Y627H, Y637H.
Identifiers: ClinVar variation 2116561 (VCV002116561.4), dbSNP rs2533930061, ClinGen allele CA364694234.